The following is an entry in ClinVar:

NM_182641.4(BPTF):c.592A>G (p.Ser198Gly)

Genes: BPTF (bromodomain PHD finger transcription factor; plus strand), LOC130061496 (ATAC-STARR-seq lymphoblastoid active region 12632; plus strand). Cytogenetic location: 17q24.2.
Variant type: single nucleotide variant.
Coding change: c.592A>G on transcript NM_182641.4 (MANE Select); coding-DNA position 592, A replaced by G.
Protein change: p.Ser198Gly; replaces serine 198 with glycine.
Molecular consequence: missense variant.
Genome position (GRCh38, 1-based): chr17:67,826,316, A>G. VCF-style: chr17-67826316-A-G. GRCh37 (hg19) VCF-style: chr17-65822432-A-G.
Other names: c.592A>G, p.Ser198Gly (NM_004459.7); short protein forms S198G.
Identifiers: ClinVar variation 2662991 (VCV002662991.2), dbSNP rs1412489772, ClinGen allele CA400716336.

ClinVar aggregate classification (germline): Uncertain significance (1 of 4 stars; one submission).

Allele frequency attached by ClinVar (database versions not stated): gnomAD exomes below 0.00001.
gnomAD v4.1: 2 of 1,611,942 alleles (0.00012%); highest among the groups gnomAD compares: Non-Finnish European, 0.00017%; no homozygotes.

Submission:

GeneDx
Classification: Uncertain significance. Last evaluated: 2025-09-11. Review status: criteria provided, single submitter. Criteria: GeneDx Variant Classification Process June 2021. Collection method: clinical testing. Allele origin: germline.
Comment: In silico analysis supports that this missense variant has a deleterious effect on protein structure/function; In silico analysis suggests this variant may impact gene splicing. In the absence of RNA/functional studies, the actual effect of this sequence change is unknown.; Has not been previously published as pathogenic or benign to our knowledge